The following is an entry in ClinVar:

ClinVar aggregate classification (germline): Likely benign. Review status: criteria provided, multiple submitters, no conflicts (2 of 4 stars). 3 submissions from 3 submitters: Likely benign (3). Last evaluated 2026-07-01.

Allele frequency attached by ClinVar (database versions not stated): gnomAD exomes 0.00006; ExAC 0.00015; ESP Exome Variant Server 0.00015.

Submissions (3):

CeGaT Center for Human Genetics Tuebingen
Classification: Likely benign. Last evaluated: 2026-07-01. Review status: criteria provided, single submitter. Criteria: CeGaT Center For Human Genetics Tuebingen Variant Classification Criteria Version 2. Collection method: clinical testing. Allele origin: germline. Affected: yes. Observed: 1 variant allele.
Comment: ICOSLG: PM2:Supporting, BP4, BP7

Labcorp Genetics (formerly Invitae), Labcorp
Classification: Likely benign. Last evaluated: 2026-01-08. Review status: criteria provided, single submitter. Criteria: Invitae Variant Classification Sherloc (09022015). Collection method: clinical testing. Allele origin: germline.

Blueprint Genetics
Classification: Likely benign. Last evaluated: 2023-12-27. Review status: criteria provided, single submitter. Criteria: ACMG Guidelines, 2015. Collection method: clinical testing. Allele origin: germline.

NM_015259.6(ICOSLG):c.630C>T (p.Ser210=)

Gene: ICOSLG (inducible T cell costimulator ligand; minus strand). Cytogenetic location: 21q22.3.
Variant type: single nucleotide variant.
Coding change: c.630C>T on transcript NM_015259.6 (MANE Select); coding-DNA position 630, C replaced by T.
Protein change: p.Ser210=; no amino-acid change (serine 210 retained).
Molecular consequence: synonymous variant.
Genome position (GRCh38, 1-based): chr21:44,235,339, G>A on the plus strand (C>T on the coding strand, the complement: ICOSLG is on the minus strand). VCF-style: chr21-44235339-G-A. GRCh37 (hg19) VCF-style: chr21-45655222-G-A.
Other names: c.630C>T, p.Ser210= (NM_001283050.2); c.279C>T, p.Ser93= (NM_001283051.2); c.375C>T, p.Ser125= (NM_001283052.2); c.549C>T, p.Ser183= (NM_001365759.2).
Identifiers: ClinVar variation 1664836 (VCV001664836.10), dbSNP rs373528374, ClinGen allele CA321497086.